The following is an entry in ClinVar:

NM_001378615.1(CC2D2A):c.541-5G>A

Genes: CC2D2A (coiled-coil and C2 domain containing 2A; plus strand), FBXL5 (F-box and leucine rich repeat protein 5; minus strand). Cytogenetic location: 4p15.32.
Variant type: single nucleotide variant.
Coding change: c.541-5G>A on transcript NM_001378615.1 (MANE Select); 5 bases into the intron before coding-DNA position 541, G replaced by A.
Molecular consequence: intron variant.
Genome position (GRCh38, 1-based): chr4:15,511,242, G>A. VCF-style: chr4-15511242-G-A. GRCh37 (hg19) VCF-style: chr4-15512865-G-A.
Other names: c.541-5G>A (NM_001080522.2); c.394-5G>A (NM_001378617.1).
Identifiers: ClinVar variation 347754 (VCV000347754.24), dbSNP rs369022150, ClinGen allele CA2863437.

ClinVar aggregate classification (germline): Conflicting classifications of pathogenicity. Review status: criteria provided, conflicting classifications (1 of 4 stars). 6 submissions from 5 submitters: Uncertain significance (3); Benign (1); Likely benign (1). 1 of the submissions does not count toward it. Last evaluated 2026-02-02.

Conditions:
CC2D2A-related disorder. Also called: CC2D2A-related disorders; CC2D2A-related condition. Identifiers: MedGen CN239313.
Meckel-Gruber syndrome. Also called: Dysencephalia splachnocystica; DYSENCEPHALIA SPLANCHNOCYSTICA; GRUBER SYNDROME. Identifiers: Orphanet 564, MedGen C0265215, MONDO:0018921.
Joubert syndrome. Also called: JOUBERT-BOLTSHAUSER SYNDROME; Familial aplasia of the vermis. Identifiers: Orphanet 475, MedGen C5979921, MONDO:0018772.
Meckel syndrome, type 6. Identifiers: Orphanet 564, MedGen C2676790, MONDO:0012848, OMIM 612284.
Joubert syndrome 9 (JBTS9). Identifiers: Orphanet 2318, MedGen C2676788, MONDO:0012849, OMIM 612285.

Allele frequency attached by ClinVar (database versions not stated): gnomAD 0.00001 and 0.00006; TOPMed 0.00002; gnomAD exomes 0.00010; ExAC 0.00029; 1000 Genomes Project 30x 0.00062; 1000 Genomes Project 0.00080.
gnomAD v4.1: 86 of 1,592,134 alleles (0.0054%); highest among the groups gnomAD compares: East Asian, 0.029%; 1 homozygote.

Submissions (6):

Labcorp Genetics (formerly Invitae), Labcorp
Classification: Benign for Joubert syndrome; Meckel-Gruber syndrome. Last evaluated: 2026-02-02. Review status: criteria provided, single submitter. Criteria: Invitae Variant Classification Sherloc (09022015). Collection method: clinical testing. Allele origin: germline.

Blueprint Genetics
Classification: Likely benign. Last evaluated: 2024-11-22. Review status: criteria provided, single submitter. Criteria: ACMG Guidelines, 2015. Collection method: clinical testing. Allele origin: germline.

Illumina Laboratory Services, Illumina
Classification: Uncertain significance for Joubert syndrome 9. Last evaluated: 2018-01-12. Review status: criteria provided, single submitter. Criteria: ICSL Variant Classification Criteria 13 December 2019. Collection method: clinical testing. Allele origin: germline.

Illumina Laboratory Services, Illumina
Classification: Uncertain significance for Meckel syndrome, type 6. Last evaluated: 2018-01-12. Review status: criteria provided, single submitter. Criteria: ICSL Variant Classification Criteria 13 December 2019. Collection method: clinical testing. Allele origin: germline.

Eurofins Ntd Llc (ga)
Classification: Uncertain significance. Last evaluated: 2017-11-29. Review status: criteria provided, single submitter. Criteria: EGL Classification Definitions 2015. Collection method: clinical testing. Allele origin: germline. Observed: 1 variant allele, 1 heterozygote.

PreventionGenetics, part of Exact Sciences
Classification: Likely benign for CC2D2A-related condition. Last evaluated: 2019-08-02. Review status: no assertion criteria provided. Collection method: clinical testing. Allele origin: germline. Not counted in ClinVar's aggregate classification.
Comment: This variant is classified as likely benign based on ACMG/AMP sequence variant interpretation guidelines (Richards et al. 2015 PMID: 25741868, with internal and published modifications).